The following is an entry in ClinVar:

ClinVar aggregate classification (germline): Uncertain significance (1 of 4 stars; one submission).

Conditions:
Immunodeficiency 35 (IMD35). Also called: Susceptibility to infection due to TYK2 deficiency; HIES WITH ATYPICAL MYCOBACTERIOSIS, AUTOSOMAL RECESSIVE; HYPER-IgE SYNDROME WITH ATYPICAL MYCOBACTERIOSIS, AUTOSOMAL RECESSIVE; TYK2 DEFICIENCY. Identifiers: Orphanet 331226, MedGen C1969086, MONDO:0012682, OMIM 611521.

Submission:

Labcorp Genetics (formerly Invitae), Labcorp
Classification: Uncertain significance for Immunodeficiency 35. Last evaluated: 2022-04-21. Review status: criteria provided, single submitter. Criteria: Invitae Variant Classification Sherloc (09022015). Collection method: clinical testing. Allele origin: germline.
Comment: In summary, the available evidence is currently insufficient to determine the role of this variant in disease. Therefore, it has been classified as a Variant of Uncertain Significance. Algorithms developed to predict the effect of missense changes on protein structure and function output the following: SIFT: "Not Available"; PolyPhen-2: "Benign"; Align-GVGD: "Not Available". The aspartic acid amino acid residue is found in multiple mammalian species, which suggests that this missense change does not adversely affect protein function. This variant has not been reported in the literature in individuals affected with TYK2-related conditions. This variant is not present in population databases (gnomAD no frequency). This sequence change replaces glutamic acid, which is acidic and polar, with aspartic acid, which is acidic and polar, at codon 92 of the TYK2 protein (p.Glu92Asp).

NM_003331.5(TYK2):c.276G>C (p.Glu92Asp)

Gene: TYK2 (tyrosine kinase 2; minus strand). Cytogenetic location: 19p13.2.
Variant type: single nucleotide variant.
Coding change: c.276G>C on transcript NM_003331.5 (MANE Select); coding-DNA position 276, G replaced by C.
Protein change: p.Glu92Asp; replaces glutamic acid 92 with aspartic acid.
Molecular consequence: missense variant.
Genome position (GRCh38, 1-based): chr19:10,368,336, C>G on the plus strand (G>C on the coding strand, the complement: TYK2 is on the minus strand). VCF-style: chr19-10368336-C-G. GRCh37 (hg19) VCF-style: chr19-10479012-C-G.
Other names: c.276G>C, p.Glu92Asp (NM_001385197.1, NM_001385198.1, NM_001385199.1 and 9 more transcripts); short protein forms E92D.
Identifiers: ClinVar variation 1949746 (VCV001949746.5), dbSNP rs2512585200, ClinGen allele CA404020063.